The following is an entry in ClinVar:

NM_031935.3(HMCN1):c.11132-12_11132-11delinsAA

Gene: HMCN1 (hemicentin 1; plus strand). Cytogenetic location: 1q31.1.
Variant type: Indel.
Coding change: c.11132-12_11132-11delinsAA on transcript NM_031935.3 (MANE Select); 12 bases into the intron before coding-DNA position 11132 through 11 bases into the intron before coding-DNA position 11132, TC replaced by AA.
Molecular consequence: intron variant.
Genome position (GRCh38, 1-based): chr1:186,113,967-186,113,968, TC replaced by AA. VCF-style: chr1-186113967-TC-AA. GRCh37 (hg19) VCF-style: chr1-186083099-TC-AA.
Identifiers: ClinVar variation 3603380 (VCV003603380.2).

ClinVar aggregate classification (germline): Uncertain significance (1 of 4 stars; one submission).

Submission:

Labcorp Genetics (formerly Invitae), Labcorp
Classification: Uncertain significance. Last evaluated: 2024-08-30. Review status: criteria provided, single submitter. Criteria: Invitae Variant Classification Sherloc (09022015). Collection method: clinical testing. Allele origin: germline.
Comment: This sequence change falls in intron 72 of the HMCN1 gene. It does not directly change the encoded amino acid sequence of the HMCN1 protein. Information on the frequency of this variant in the gnomAD database is not available, as this variant may be reported differently in the database. This variant has not been reported in the literature in individuals affected with HMCN1-related conditions. Experimental studies and prediction algorithms are not available or were not evaluated, and the effect of this variant on mRNA splicing is currently unknown. In summary, the available evidence is currently insufficient to determine the role of this variant in disease. Therefore, it has been classified as a Variant of Uncertain Significance.